The following is an entry in ClinVar:

NM_001365536.1(SCN9A):c.3056A>G (p.Lys1019Arg)

Genes: SCN1A-AS1 (SCN1A and SCN9A antisense RNA 1; plus strand), SCN9A (sodium voltage-gated channel alpha subunit 9; minus strand). Cytogenetic location: 2q24.3.
Variant type: single nucleotide variant.
Coding change: c.3056A>G on transcript NM_001365536.1 (MANE Select); coding-DNA position 3056, A replaced by G.
Protein change: p.Lys1019Arg; replaces lysine 1019 with arginine.
Molecular consequence: missense variant.
Genome position (GRCh38, 1-based): chr2:166,272,694, T>C on the plus strand (A>G on the coding strand, the complement: SCN9A is on the minus strand). VCF-style: chr2-166272694-T-C. GRCh37 (hg19) VCF-style: chr2-167129204-T-C.
Other names: c.3023A>G, p.Lys1008Arg (NM_002977.4); short protein forms K1008R, K1019R.
Identifiers: ClinVar variation 538450 (VCV000538450.14), dbSNP rs201979706, ClinGen allele CA1944145.

ClinVar aggregate classification (germline): Uncertain significance. Review status: criteria provided, multiple submitters, no conflicts (2 of 4 stars). 4 submissions from 4 submitters: Uncertain significance (4). Last evaluated 2025-11-23.

Conditions:
Neuropathy, hereditary sensory and autonomic, type 2A (HSAN2A). Also called: ACROOSTEOLYSIS, GIACCAI TYPE; ACROOSTEOLYSIS, NEUROGENIC; MORVAN DISEASE; NEUROPATHY, CONGENITAL SENSORY; NEUROPATHY, HEREDITARY SENSORY RADICULAR, AUTOSOMAL RECESSIVE; NEUROPATHY, HEREDITARY SENSORY, TYPE IIA. Identifiers: Orphanet 970, MedGen C2752089, MONDO:0024309, OMIM 201300.
Generalized epilepsy with febrile seizures plus, type 7 (GEFSP7). Also called: GEFS+, TYPE 7. Identifiers: Orphanet 36387, MedGen C2751778, MONDO:0013470, OMIM 613863.
Inborn genetic diseases. Identifiers: MedGen C0950123, MeSH D030342.

Allele frequency attached by ClinVar (database versions not stated): gnomAD exomes 0.00003; TOPMed 0.00003; ExAC 0.00004; gnomAD 0.00005 and 0.00006; ESP Exome Variant Server 0.00008.
gnomAD v4.1: 107 of 1,598,092 alleles (0.0067%); highest among the groups gnomAD compares: Non-Finnish European, 0.0084%; no homozygotes.

Submissions (4):

Labcorp Genetics (formerly Invitae), Labcorp
Classification: Uncertain significance for Neuropathy, hereditary sensory and autonomic, type 2A; Generalized epilepsy with febrile seizures plus, type 7. Last evaluated: 2025-11-23. Review status: criteria provided, single submitter. Criteria: Invitae Variant Classification Sherloc (09022015). Collection method: clinical testing. Allele origin: germline.
Comment: This sequence change replaces lysine, which is basic and polar, with arginine, which is basic and polar, at codon 1008 of the SCN9A protein (p.Lys1008Arg). This variant is present in population databases (rs201979706, gnomAD 0.007%). This variant has not been reported in the literature in individuals affected with SCN9A-related conditions. ClinVar contains an entry for this variant (Variation ID: 538450). Invitae Evidence Modeling of protein sequence and biophysical properties (such as structural, functional, and spatial information, amino acid conservation, physicochemical variation, residue mobility, and thermodynamic stability) indicates that this missense variant is not expected to disrupt SCN9A protein function with a negative predictive value of 95%. In summary, the available evidence is currently insufficient to determine the role of this variant in disease. Therefore, it has been classified as a Variant of Uncertain Significance.

Women's Health and Genetics/Laboratory Corporation of America, LabCorp
Classification: Uncertain significance. Last evaluated: 2025-09-04. Review status: criteria provided, single submitter. Criteria: LabCorp Variant Classification Summary - May 2015. Collection method: clinical testing. Allele origin: germline.
Comment: Variant summary: SCN9A c.3023A>G (p.Lys1008Arg) results in a conservative amino acid change in the encoded protein sequence. Algorithms developed to predict the effect of missense changes on protein structure and function all suggest that this variant is likely to be tolerated. The variant allele was found at a frequency of 2.9e-05 in 237722 control chromosomes, predominantly at a frequency of 6.4e-05 within the Non-Finnish European subpopulation in the gnomAD database. The available data on variant occurrences in the general population are insufficient to allow any conclusion about variant significance. To our knowledge, no occurrence of c.3023A>G in individuals affected with SCN9A-related conditions and no experimental evidence demonstrating its impact on protein function have been reported. ClinVar contains an entry for this variant (Variation ID: 538450). Based on the evidence outlined above, the variant was classified as uncertain significance.

GeneDx
Classification: Uncertain significance. Last evaluated: 2024-10-15. Review status: criteria provided, single submitter. Criteria: GeneDx Variant Classification Process June 2021. Collection method: clinical testing. Allele origin: germline. Affected: yes.
Comment: In silico analysis indicates that this missense variant does not alter protein structure/function; Has not been previously published as pathogenic or benign to our knowledge

Ambry Genetics
Classification: Uncertain significance for Inborn genetic diseases. Last evaluated: 2023-11-14. Review status: criteria provided, single submitter. Criteria: Ambry Variant Classification Scheme 2023. Collection method: clinical testing. Allele origin: germline.